The following is an entry in ClinVar:

NM_000501.4(ELN):c.536_541+1del

Gene: ELN (elastin; plus strand). Cytogenetic location: 7q11.23.
Variant type: Deletion.
Coding change: c.536_541+1del on transcript NM_000501.4 (MANE Select); coding-DNA position 536 through the canonical splice donor site of the intron after coding-DNA position 541, 7 bases deleted (CTCCAGG; older notation c.536_541+1delCTCCAGG).
Molecular consequence: splice donor variant. On other transcripts: intron variant (1).
Genome position (GRCh38, 1-based): chr7:74,045,288-74,045,294, CTCCAGG deleted; deleting any 7 consecutive bases within chr7:74,045,285-74,045,294 gives the same sequence; the c. name uses the placement nearest the transcript's 3' end. VCF-style (leftmost placement, unchanged base first): chr7-74045284-AAGGCTCC-A. GRCh37 (hg19) VCF-style: chr7-73459614-AAGGCTCC-A.
Other names: c.551_556+1del (NM_001081754.3, NM_001081753.3); c.536_541+1del (NM_001278939.2, NM_001278915.2, NM_001278912.2 and 2 more transcripts); c.500_505+1del (NM_001278913.2); c.521_526+1del (NM_001278914.2); c.506_511+1del (NM_001278917.2, NM_001081752.3); c.439+1368_439+1374del (NM_001278918.2).
Identifiers: ClinVar variation 5009729 (VCV005009729.1).

ClinVar aggregate classification (germline): Uncertain significance (1 of 4 stars; one submission).

Submission:

GeneDx
Classification: Uncertain significance. Last evaluated: 2026-02-18. Review status: criteria provided, single submitter. Criteria: GeneDx Variant Classification Process June 2021. Collection method: clinical testing. Allele origin: germline.
Comment: Canonical splice site variant with an unclear effect on protein function as one potential outcome is an in-frame deletion of 2 amino acids, p.(A180_P181del), and in silico tools do not predict an impact on splicing; in the absence of functional evidence, the actual effect of this sequence change is unknown; Not observed at significant frequency in large population cohorts (gnomAD); Has not been previously published as pathogenic or benign to our knowledge